The following is an entry in ClinVar:

ClinVar aggregate classification (germline): Pathogenic. Review status: reviewed by expert panel (3 of 4 stars). 3 submissions from 3 submitters: Pathogenic (1). 2 of the submissions do not count toward it. Last evaluated 2023-08-04.

Conditions:
CDH1-related diffuse gastric and lobular breast cancer syndrome. Also called: CDH1-related diffuse gastric and lobular breast cancer. Identifiers: MedGen CN311521, MONDO:0100488.
Hereditary cancer-predisposing syndrome. Also called: Tumor predisposition; Neoplastic Syndromes, Hereditary; Hereditary Cancer Syndrome; Hereditary neoplastic syndrome. Identifiers: Orphanet 140162, MedGen C0027672, MeSH D009386, MONDO:0015356.
Hereditary diffuse gastric adenocarcinoma (HDGC). Also called: DIFFUSE GASTRIC AND LOBULAR BREAST CANCER SYNDROME. Identifiers: Orphanet 26106, MedGen C1708349, MONDO:0007648, OMIM 137215.

Submissions (3):

Clingen Gastric Cancer Variant Curation Expert Panel
Classification: Pathogenic for CDH1-related diffuse gastric and lobular breast cancer syndrome. Last evaluated: 2023-08-04. Review status: reviewed by expert panel. Criteria: ClinGen CDH1 ACMG Specifications V3.1. Collection method: curation. Allele origin: germline. Inheritance: Autosomal dominant inheritance.
Comment: The c.2144del (p.Gly715fs) variant is predicted to result in a premature stop codon at position 7 of the new reading frame that leads to nonsense mediate decay (PVS1 and PM5_supporting). The variant is absent in the gnomAD cohort (PM2_supporting). In summary, this variant meets criteria to be classified as Pathogenic based on the ACMG/AMP criteria applied as specified by the CDH1 Variant Curation Expert Panel (Variant Interpretation Guidelines Version 3.1): PVS1, PM2_supporting, PM5_supporting.

Myriad Genetics, Inc.
Classification: Pathogenic for Hereditary diffuse gastric adenocarcinoma. Last evaluated: 2023-06-15. Review status: criteria provided, single submitter. Criteria: Myriad Autosomal Dominant, Autosomal Recessive and X-Linked Classification Criteria (2023). Collection method: clinical testing. Allele origin: unknown. Not counted in ClinVar's aggregate classification.
Comment: This variant is considered pathogenic. This variant creates a frameshift predicted to result in premature protein truncation.

Color Diagnostics, LLC DBA Color Health
Classification: Pathogenic for Hereditary cancer-predisposing syndrome. Last evaluated: 2020-02-06. Review status: criteria provided, single submitter. Criteria: ACMG Guidelines, 2015. Collection method: clinical testing. Allele origin: germline. Not counted in ClinVar's aggregate classification.
Comment: This variant deletes 1 nucleotide in exon 13 of the CDH1 gene, creating a frameshift and premature translation stop signal. This variant is expected to result in an absent or non-functional protein product. Splice site prediction tools suggest that this variant may not impact RNA splicing. To our knowledge, functional studies have not been performed for this variant. This variant has not been reported in individuals affected with hereditary cancer in the literature. This variant has not been identified in the general population by the Genome Aggregation Database (gnomAD). Loss of CDH1 function is a known mechanism of disease. Based on the available evidence, this variant is classified as Pathogenic.

NM_004360.5(CDH1):c.2144del (p.Gly715fs)

Gene: CDH1 (cadherin 1; plus strand). Cytogenetic location: 16q22.1.
Variant type: Deletion.
Coding change: c.2144del on transcript NM_004360.5 (MANE Select); coding-DNA position 2144, one base deleted (G; older notation c.2144delG).
Protein change: p.Gly715fs; shifts the reading frame from glycine 715.
Molecular consequence: frameshift variant.
Genome position (GRCh38, 1-based): chr16:68,823,606, G deleted; the last of 2 consecutive G bases (chr16:68,823,605-68,823,606); deleting either gives the same sequence. VCF-style (leftmost placement, unchanged base first): chr16-68823604-TG-T. GRCh37 (hg19) VCF-style: chr16-68857507-TG-T.
Other names: NM_004360.5(CDH1):c.2144del; p.Gly715fs; c.1961del, p.Gly654fs (NM_001317184.2); c.596del, p.Gly199fs (NM_001317185.2); c.179del, p.Gly60fs (NM_001317186.2); c.2144del (NM_004360.4); short protein forms G60fs, G654fs, G715fs, G199fs.
Identifiers: ClinVar variation 491520 (VCV000491520.6), dbSNP rs1555517153, ClinGen allele CA658683963.